The following is an entry in ClinVar:

ClinVar aggregate classification (germline): Uncertain significance (1 of 4 stars; one submission).

gnomAD v4.1: 25 of 1,589,652 alleles (0.0016%); highest among the groups gnomAD compares: African/African-American, 0.004%; no homozygotes.

Submission:

GeneDx
Classification: Uncertain significance. Last evaluated: 2025-08-09. Review status: criteria provided, single submitter. Criteria: GeneDx Variant Classification Process June 2021. Collection method: clinical testing. Allele origin: germline. Affected: yes.
Comment: In silico analysis suggests that this missense variant does not alter protein structure/function; Has not been previously published as pathogenic or benign to our knowledge

NM_001244008.2(KIF1A):c.3866A>G (p.His1289Arg)

Genes: KIF1A (kinesin family member 1A; minus strand), LOC126806583 (P300/CBP strongly-dependent group 1 enhancer GRCh37_chr2:241678910-241680109; plus strand). Cytogenetic location: 2q37.3.
Variant type: single nucleotide variant.
Coding change: c.3866A>G on transcript NM_001244008.2 (MANE Select); coding-DNA position 3866, A replaced by G.
Protein change: p.His1289Arg; replaces histidine 1289 with arginine.
Molecular consequence: missense variant.
Genome position (GRCh38, 1-based): chr2:240,740,093, T>C on the plus strand (A>G on the coding strand, the complement: KIF1A is on the minus strand). VCF-style: chr2-240740093-T-C. GRCh37 (hg19) VCF-style: chr2-241679510-T-C.
Other names: c.3665A>G, p.His1222Arg (NM_001379634.1, NM_001379635.1, NM_001379646.1 and 1 more transcripts); c.3563A>G, p.His1188Arg (NM_001379636.1, NM_001379639.1, NM_001379641.1 and 5 more transcripts); c.3638A>G, p.His1213Arg (NM_001379637.1, NM_001379648.1); c.3590A>G, p.His1197Arg (NM_001379638.1, NM_001320705.2, NM_001330289.2); c.3560A>G, p.His1187Arg (NM_001379640.1); c.3839A>G, p.His1280Arg (NM_001379642.1, NM_001379645.1, NM_001379633.1); c.3941A>G, p.His1314Arg (NM_001379631.1); c.3815A>G, p.His1272Arg (NM_001379632.1); short protein forms H1187R, H1188R, H1197R, H1213R, H1222R, H1272R, H1280R, H1289R.
Identifiers: ClinVar variation 4755746 (VCV004755746.1).